The following is an entry in ClinVar:

NM_000092.5(COL4A4):c.102A>G (p.Gln34=)

Gene: COL4A4 (collagen type IV alpha 4 chain; minus strand). Cytogenetic location: 2q36.3.
Variant type: single nucleotide variant.
Coding change: c.102A>G on transcript NM_000092.5 (MANE Select); coding-DNA position 102, A replaced by G.
Protein change: p.Gln34=; no amino-acid change (glutamine 34 retained).
Molecular consequence: synonymous variant.
Genome position (GRCh38, 1-based): chr2:227,144,528, T>C on the plus strand (A>G on the coding strand, the complement: COL4A4 is on the minus strand). VCF-style: chr2-227144528-T-C. GRCh37 (hg19) VCF-style: chr2-228009244-T-C.
Other names: p.Gln34=.
Identifiers: ClinVar variation 255012 (VCV000255012.20), dbSNP rs3817617, ClinGen allele CA2145806.

ClinVar aggregate classification (germline): Benign. Review status: criteria provided, multiple submitters, no conflicts (2 of 4 stars). 6 submissions from 6 submitters: Benign (6). Last evaluated 2026-01-29.

Conditions:
Alport syndrome. Also called: Hemorrhagic familial nephritis; Hemorrhagic hereditary nephritis; Congenital hereditary hematuria. Identifiers: Orphanet 63, MedGen C1567741, MONDO:0018965.

Allele frequency attached by ClinVar (database versions not stated): gnomAD 0.00056 and 0.00098; gnomAD exomes 0.00083 and 0.00201; TOPMed 0.00123; ExAC 0.00189; 1000 Genomes Project 0.00559; 1000 Genomes Project 30x 0.00578.
gnomAD v4.1: 1,401 of 1,610,258 alleles (0.087%); highest among the groups gnomAD compares: East Asian, 2.6%; 27 homozygotes.

Submissions (10):

Labcorp Genetics (formerly Invitae), Labcorp
Classification: Benign. Last evaluated: 2026-01-29. Review status: criteria provided, single submitter. Criteria: Invitae Variant Classification Sherloc (09022015). Collection method: clinical testing. Allele origin: germline.

Mayo Clinic Laboratories, Mayo Clinic
Classification: Benign. Last evaluated: 2024-12-04. Review status: criteria provided, single submitter. Criteria: ACMG Guidelines, 2015. Collection method: clinical testing. Allele origin: germline. Observed: 1 variant allele.
Comment: BS1, BS2, BP4, BP7

Blueprint Genetics
Classification: Benign. Last evaluated: 2024-11-18. Review status: criteria provided, single submitter. Criteria: ACMG Guidelines, 2015. Collection method: clinical testing. Allele origin: germline.

GeneDx
Classification: Benign. Last evaluated: 2018-12-04. Review status: criteria provided, single submitter. Criteria: GeneDx Variant Classification Process June 2021. Collection method: clinical testing. Allele origin: germline. Affected: yes.

Illumina Laboratory Services, Illumina
Classification: Benign for Alport syndrome. Last evaluated: 2017-04-27. Review status: criteria provided, single submitter. Criteria: ICSL Variant Classification Criteria 13 December 2019. Collection method: clinical testing. Allele origin: germline.
Comment: This variant was observed as part of a predisposition screen in an ostensibly healthy population. A literature search was performed for the gene, cDNA change, and amino acid change (where applicable). Publications were found based on this search. The evidence from the literature, in combination with allele frequency data from public databases where available, was sufficient to rule this variant out of causing disease. Therefore, this variant is classified as benign.

PreventionGenetics, part of Exact Sciences
Classification: Benign. Review status: criteria provided, single submitter. Criteria: ACMG Guidelines, 2015. Collection method: clinical testing. Allele origin: germline.

Dr. Peter K. Rogan Lab, Western University
No classification provided (evidence only). Condition: Cervical cancer. Review status: no classification provided. Collection method: in vitro. Allele origin: not applicable. Functional consequence: retained intron. Not counted in ClinVar's aggregate classification.

Dr. Peter K. Rogan Lab, Western University
No classification provided (evidence only). Condition: Malignant lymphoma, large B-cell, diffuse. Review status: no classification provided. Collection method: in vitro. Allele origin: not applicable. Functional consequence: retained intron. Not counted in ClinVar's aggregate classification.

Dr. Peter K. Rogan Lab, Western University
No classification provided (evidence only). Condition: Thymoma. Review status: no classification provided. Collection method: in vitro. Allele origin: not applicable. Functional consequence: retained intron. Not counted in ClinVar's aggregate classification.

Dr. Peter K. Rogan Lab, Western University
No classification provided (evidence only). Condition: Gastric cancer. Review status: no classification provided. Collection method: in vitro. Allele origin: not applicable. Functional consequence: retained intron. Not counted in ClinVar's aggregate classification.

Literature cited by the submitters: PubMed 19675380 (cited by Illumina Laboratory Services, Illumina).